The following is an entry in ClinVar:

ClinVar aggregate classification (germline): Conflicting classifications of pathogenicity. Review status: criteria provided, conflicting classifications (1 of 4 stars). 2 submissions from 2 submitters: Uncertain significance (1); Likely benign (1). Last evaluated 2025-03-01.

Allele frequency attached by ClinVar (database versions not stated): ExAC 0.00002; TOPMed 0.00004; gnomAD 0.00005; gnomAD exomes 0.00007; ESP Exome Variant Server 0.00009; 1000 Genomes Project 30x 0.00021; 1000 Genomes Project 0.00026.

Submissions (2):

CeGaT Center for Human Genetics Tuebingen
Classification: Likely benign. Last evaluated: 2025-03-01. Review status: criteria provided, single submitter. Criteria: CeGaT Center For Human Genetics Tuebingen Variant Classification Criteria Version 2. Collection method: clinical testing. Allele origin: germline. Affected: yes. Observed: 1 variant allele.
Comment: XKRX: BP4, BS2

Ambry Genetics
Classification: Uncertain significance. Last evaluated: 2023-01-10. Review status: criteria provided, single submitter. Criteria: Ambry Variant Classification Scheme 2023. Collection method: clinical testing. Allele origin: germline.

NM_212559.3(XKRX):c.821T>C (p.Val274Ala)

Gene: XKRX (XK related X-linked; minus strand). Cytogenetic location: Xq22.1.
Variant type: single nucleotide variant.
Coding change: c.821T>C on transcript NM_212559.3 (MANE Select); coding-DNA position 821, T replaced by C.
Protein change: p.Val274Ala; replaces valine 274 with alanine.
Molecular consequence: missense variant.
Genome position (GRCh38, 1-based): chrX:100,914,867, A>G on the plus strand (T>C on the coding strand, the complement: XKRX is on the minus strand). VCF-style: chrX-100914867-A-G. GRCh37 (hg19) VCF-style: chrX-100169856-A-G.
Other names: short protein forms V274A.
Identifiers: ClinVar variation 2470057 (VCV002470057.9), dbSNP rs373428804, ClinGen allele CA10470874.